The following is an entry in ClinVar:

ClinVar aggregate classification (germline): Uncertain significance. Review status: criteria provided, multiple submitters, no conflicts (2 of 4 stars). 2 submissions from 2 submitters: Uncertain significance (2). Last evaluated 2025-05-01.

Conditions:
Charcot-Marie-Tooth disease type 2. Also called: Charcot-Marie-Tooth type 2. Identifiers: Orphanet 64746, MedGen C0270914, MONDO:0018993.

Allele frequency attached by ClinVar (database versions not stated): TOPMed below 0.00001; gnomAD exomes below 0.00001.
gnomAD v4.1: 2 of 1,614,038 alleles (0.00012%); highest among the groups gnomAD compares: Non-Finnish European, 0.00017%; no homozygotes.

Submissions (2):

Ambry Genetics
Classification: Uncertain significance. Last evaluated: 2025-05-01. Review status: criteria provided, single submitter. Criteria: Ambry Variant Classification Scheme 2023. Collection method: clinical testing. Allele origin: germline.
Comment: The p.V1656I variant (also known as c.4966G>A), located in coding exon 44 of the KIF1B gene, results from a G to A substitution at nucleotide position 4966. The valine at codon 1656 is replaced by isoleucine, an amino acid with highly similar properties. This amino acid position is conserved. In addition, this alteration is predicted to be tolerated by in silico analysis. Since supporting evidence is limited at this time, the clinical significance of this alteration remains unclear.

Labcorp Genetics (formerly Invitae), Labcorp
Classification: Uncertain significance for Charcot-Marie-Tooth disease type 2. Last evaluated: 2025-04-18. Review status: criteria provided, single submitter. Criteria: Invitae Variant Classification Sherloc (09022015). Collection method: clinical testing. Allele origin: germline.
Comment: This sequence change replaces valine, which is neutral and non-polar, with isoleucine, which is neutral and non-polar, at codon 1656 of the KIF1B protein (p.Val1656Ile). This variant is not present in population databases (gnomAD no frequency). This variant has not been reported in the literature in individuals affected with KIF1B-related conditions. ClinVar contains an entry for this variant (Variation ID: 2563621). An algorithm developed to predict the effect of missense changes on protein structure and function (PolyPhen-2) suggests that this variant is likely to be tolerated. In summary, the available evidence is currently insufficient to determine the role of this variant in disease. Therefore, it has been classified as a Variant of Uncertain Significance.

NM_001365951.3(KIF1B):c.5104G>A (p.Val1702Ile)

Gene: KIF1B (kinesin family member 1B; plus strand). Cytogenetic location: 1p36.22.
Variant type: single nucleotide variant.
Coding change: c.5104G>A on transcript NM_001365951.3 (MANE Select); coding-DNA position 5104, G replaced by A.
Protein change: p.Val1702Ile; replaces valine 1702 with isoleucine.
Molecular consequence: missense variant.
Genome position (GRCh38, 1-based): chr1:10,374,861, G>A. VCF-style: chr1-10374861-G-A. GRCh37 (hg19) VCF-style: chr1-10434919-G-A.
Other names: c.5104G>A, p.Val1702Ile (NM_001365952.1); c.4966G>A, p.Val1656Ile (NM_015074.3); short protein forms V1702I, V1656I.
Identifiers: ClinVar variation 2563621 (VCV002563621.5), dbSNP rs989476496, ClinGen allele CA17856280.
Genomic context (GRCh38, chr1:10,374,861, plus strand): 5'-ACGATTATTTTCTTTTTGTGAGAAACTAACTTTTGTCATATTGTCGTTTTTAGCTCAGTG[G>A]TCTCTAAGAAAGGATACCTTCATTTCAAGGAGCCTCTTTACAGTAACTGGGCTAAACATT-3'
Protein context (NP_001352880.1, residues 1692-1712): DIEEIRPSSV[Val1702Ile]SKKGYLHFKE